The following is an entry in ClinVar:

ClinVar aggregate classification (germline): Uncertain significance (1 of 4 stars; one submission).

Conditions:
Hereditary cancer-predisposing syndrome. Also called: Neoplastic Syndromes, Hereditary; Hereditary Cancer Syndrome; Tumor predisposition; Hereditary neoplastic syndrome. Identifiers: Orphanet 140162, MedGen C0027672, MeSH D009386, MONDO:0015356.

Submission:

Ambry Genetics
Classification: Uncertain significance for Hereditary cancer-predisposing syndrome. Last evaluated: 2023-01-26. Review status: criteria provided, single submitter. Criteria: Ambry Variant Classification Scheme 2023. Collection method: clinical testing. Allele origin: germline.
Comment: The c.540+49A>G intronic variant results from an A to G substitution 49 nucleotides after coding exon 5 in the SDHB gene. This nucleotide position is well conserved in available vertebrate species. In silico splice site analysis predicts that this alteration will result in the creation or strengthening of a novel splice donor site; however, direct evidence is insufficient at this time (Ambry internal data). Since supporting evidence is limited at this time, the clinical significance of this alteration remains unclear.

NM_003000.3(SDHB):c.540+49A>G

Gene: SDHB (succinate dehydrogenase complex iron sulfur subunit B; minus strand). Cytogenetic location: 1p36.13.
Variant type: single nucleotide variant.
Coding change: c.540+49A>G on transcript NM_003000.3 (MANE Select); 49 bases into the intron after coding-DNA position 540, A replaced by G.
Molecular consequence: intron variant.
Genome position (GRCh38, 1-based): chr1:17,027,700, T>C on the plus strand (A>G on the coding strand, the complement: SDHB is on the minus strand). VCF-style: chr1-17027700-T-C. GRCh37 (hg19) VCF-style: chr1-17354195-T-C.
Other names: c.486+49A>G (NM_001407361.1).
Identifiers: ClinVar variation 2447649 (VCV002447649.2), dbSNP rs939473191, ClinGen allele CA18665830.
Genomic context (GRCh38, chr1:17,027,700, plus strand): 5'-AATACACTAAATGGCTTGCATCAGCTTATGTTCCCTGCCAAGCCACACTCCTGGCAATCA[T>C]CTTTGCAATAAATTCTTCAGATTGAAACAATAAATAGGGACTAATGACCAGTTTCTCACG-3'